The following is an entry in ClinVar:

NM_001144967.3(NEDD4L):c.49-16225_49-16215del

Gene: NEDD4L (NEDD4 like E3 ubiquitin protein ligase; plus strand). Cytogenetic location: 18q21.31.
Variant type: Deletion.
Coding change: c.49-16225_49-16215del on transcript NM_001144967.3 (MANE Select); 16225 bases into the intron before coding-DNA position 49 through 16215 bases into the intron before coding-DNA position 49, 11 bases deleted (ACACTCGGTAA).
Molecular consequence: intron variant. On other transcripts: splice donor variant (2).
Genome position (GRCh38, 1-based): chr18:58,149,563-58,149,573, ACACTCGGTAA deleted; deleting any 11 consecutive bases within chr18:58,149,562-58,149,573 gives the same sequence; the c. name uses the placement nearest the transcript's 3' end. VCF-style (leftmost placement, unchanged base first): chr18-58149561-TAACACTCGGTA-T. GRCh37 (hg19) VCF-style: chr18-55816793-TAACACTCGGTA-T.
Other names: c.49-16225_49-16215del (NM_015277.6, NM_001243960.2); c.-315-16225_-315-16215del (NM_001144964.1); c.-400_-394+4del (NM_001144971.2); c.-322_-316+4del (NM_001144965.2); c.24+4_24+14del (NM_001144968.2, NM_001144969.2).
Identifiers: ClinVar variation 2227563 (VCV002227563.2), dbSNP rs1291833838, ClinGen allele CA630262913.

ClinVar aggregate classification (germline): Uncertain significance (1 of 4 stars; one submission).

Conditions:
Inborn genetic diseases. Identifiers: MedGen C0950123, MeSH D030342.

Submission:

Ambry Genetics
Classification: Uncertain significance for Inborn genetic diseases. Last evaluated: 2021-01-29. Review status: criteria provided, single submitter. Criteria: Ambry Variant Classification Scheme 2023. Collection method: clinical testing. Allele origin: germline.
Comment: The c.49-16225_49-16215del11 alteration is located in Intron 1 (E) of the NEDD4L gene. This alteration consists of a deletion of 11 nucleotides between nucleotide positions c.49-16225 and c.49-16215 Intron 1 (E). Based on insufficient or conflicting evidence, the clinical significance of this alteration remains unclear.